The following is an entry in ClinVar:

NM_004484.4(GPC3):c.876T>C (p.Ile292=)

Gene: GPC3 (glypican 3; minus strand). Cytogenetic location: Xq26.2.
Variant type: single nucleotide variant.
Coding change: c.876T>C on transcript NM_004484.4 (MANE Select); coding-DNA position 876, T replaced by C.
Protein change: p.Ile292=; no amino-acid change (isoleucine 292 retained).
Molecular consequence: synonymous variant.
Genome position (GRCh38, 1-based): chrX:133,753,638, A>G on the plus strand (T>C on the coding strand, the complement: GPC3 is on the minus strand). VCF-style: chrX-133753638-A-G. GRCh37 (hg19) VCF-style: chrX-132887665-A-G.
Other names: c.876T>C (NM_001164617.1); c.876T>C, p.Ile292= (NM_001164617.2); c.828T>C, p.Ile276= (NM_001164618.2); c.714T>C, p.Ile238= (NM_001164619.2).
Identifiers: ClinVar variation 239946 (VCV000239946.42), dbSNP rs61754633, ClinGen allele CA10520786.

ClinVar aggregate classification (germline): Benign/Likely benign. Review status: criteria provided, multiple submitters, no conflicts (2 of 4 stars). 11 submissions from 11 submitters: Benign (5); Likely benign (4). 2 of the submissions do not count toward it. Last evaluated 2025-12-24.

Conditions:
Inborn genetic diseases. Identifiers: MedGen C0950123, MeSH D030342.
Hereditary cancer-predisposing syndrome. Also called: Tumor predisposition; Hereditary Cancer Syndrome; Neoplastic Syndromes, Hereditary; Hereditary neoplastic syndrome. Identifiers: Orphanet 140162, MedGen C0027672, MeSH D009386, MONDO:0015356.
Simpson-Golabi-Behmel syndrome type 1 (SGBS1). Also called: DYSPLASIA GIGANTISM SYNDROME, X-LINKED; GOLABI-ROSEN SYNDROME; GPC3-Related Simpson-Golabi-Behmel Syndrome Type 1; SIMPSON DYSMORPHIA SYNDROME; BULLDOG SYNDROME. Identifiers: Orphanet 373, MedGen C0796154, MONDO:0020602, OMIM 312870.
Wilms tumor 1 (WT1). Also called: Wilms tumor, somatic. Identifiers: Orphanet 654, MedGen CN033288, MONDO:0008679, OMIM 194070.

Allele frequency attached by ClinVar (database versions not stated): 1000 Genomes Project 30x 0.00021; gnomAD 0.00024 and 0.00025; 1000 Genomes Project 0.00026; TOPMed 0.00031; ESP Exome Variant Server 0.00057.
gnomAD v4.1: 345 of 1,210,009 alleles (0.029%); highest among the groups gnomAD compares: Middle Eastern, 0.25%; no homozygotes.

Submissions (11):

Labcorp Genetics (formerly Invitae), Labcorp
Classification: Benign for Wilms tumor 1. Last evaluated: 2025-12-24. Review status: criteria provided, single submitter. Criteria: Invitae Variant Classification Sherloc (09022015). Collection method: clinical testing. Allele origin: germline.

Laboratory of Genetics, Children's Clinical University Hospital Latvia
Classification: Benign. Last evaluated: 2025-02-16. Review status: criteria provided, single submitter. Criteria: ACMG Guidelines, 2015. Collection method: clinical testing. Allele origin: germline. Affected: yes.

KCCC/NGS Laboratory, Kuwait Cancer Control Center
Classification: Benign for Simpson-Golabi-Behmel syndrome type 1. Last evaluated: 2025-02-01. Review status: criteria provided, single submitter. Criteria: ACMG Guidelines, 2015. Collection method: clinical testing. Allele origin: germline. Affected: no.

Women's Health and Genetics/Laboratory Corporation of America, LabCorp
Classification: Benign. Last evaluated: 2024-08-30. Review status: criteria provided, single submitter. Criteria: LabCorp Variant Classification Summary - May 2015. Collection method: clinical testing. Allele origin: germline.

Blueprint Genetics
Classification: Likely benign. Last evaluated: 2024-08-29. Review status: criteria provided, single submitter. Criteria: ACMG Guidelines, 2015. Collection method: clinical testing. Allele origin: germline.

CeGaT Center for Human Genetics Tuebingen
Classification: Likely benign. Last evaluated: 2024-03-01. Review status: criteria provided, single submitter. Criteria: CeGaT Center For Human Genetics Tuebingen Variant Classification Criteria Version 2. Collection method: clinical testing. Allele origin: germline. Affected: yes. Observed: 2 variant alleles.
Comment: GPC3: BP4, BP7, BS2

Sema4
Classification: Likely benign for Hereditary cancer-predisposing syndrome. Last evaluated: 2021-05-17. Review status: criteria provided, single submitter. Criteria: Sema4 Curation Guidelines. Collection method: curation. Allele origin: germline.

Ambry Genetics
Classification: Benign for Inborn genetic diseases. Last evaluated: 2017-12-15. Review status: criteria provided, single submitter. Criteria: Ambry Variant Classification Scheme 2023. Collection method: clinical testing. Allele origin: germline.

GeneDx
Classification: Likely benign. Last evaluated: 2016-12-08. Review status: criteria provided, single submitter. Criteria: GeneDx Variant Classification (06012015). Collection method: clinical testing. Allele origin: germline. Affected: yes.
Comment: This variant is considered likely benign or benign based on one or more of the following criteria: it is a conservative change, it occurs at a poorly conserved position in the protein, it is predicted to be benign by multiple in silico algorithms, and/or has population frequency not consistent with disease.

Clinical Genetics DNA and cytogenetics Diagnostics Lab, Erasmus MC, Erasmus Medical Center
Classification: Likely benign. Review status: no assertion criteria provided. Collection method: clinical testing. Allele origin: germline. Affected: yes. Study: VKGL Data-share Consensus. Not counted in ClinVar's aggregate classification.

Genome Diagnostics Laboratory, University Medical Center Utrecht
Classification: Likely benign. Review status: no assertion criteria provided. Collection method: clinical testing. Allele origin: germline. Affected: yes. Study: VKGL Data-share Consensus. Not counted in ClinVar's aggregate classification.